The following is an entry in ClinVar:

ClinVar aggregate classification (germline): Uncertain significance (1 of 4 stars; one submission).

Conditions:
Werner syndrome (WRN). Identifiers: Orphanet 902, MedGen C0043119, MONDO:0010196, OMIM 277700.

Allele frequency attached by ClinVar (database versions not stated): gnomAD 0.00001; gnomAD exomes 0.00001 and 0.00003; ExAC 0.00004.
gnomAD v4.1: 19 of 1,614,020 alleles (0.0012%); highest among the groups gnomAD compares: South Asian, 0.0099%; no homozygotes.

Submission:

Labcorp Genetics (formerly Invitae), Labcorp
Classification: Uncertain significance for Werner syndrome. Last evaluated: 2024-12-30. Review status: criteria provided, single submitter. Criteria: Invitae Variant Classification Sherloc (09022015). Collection method: clinical testing. Allele origin: germline.
Comment: This sequence change replaces glycine, which is neutral and non-polar, with serine, which is neutral and polar, at codon 1288 of the WRN protein (p.Gly1288Ser). This variant is present in population databases (rs765259410, gnomAD 0.03%). This variant has not been reported in the literature in individuals affected with WRN-related conditions. ClinVar contains an entry for this variant (Variation ID: 569683). An algorithm developed to predict the effect of missense changes on protein structure and function (PolyPhen-2) suggests that this variant is likely to be disruptive. RNA analysis performed to evaluate the impact of this missense change on mRNA splicing indicates it does not significantly alter splicing (internal data). In summary, the available evidence is currently insufficient to determine the role of this variant in disease. Therefore, it has been classified as a Variant of Uncertain Significance.

NM_000553.6(WRN):c.3862G>A (p.Gly1288Ser)

Gene: WRN (WRN RecQ like helicase; plus strand). Cytogenetic location: 8p12.
Variant type: single nucleotide variant.
Coding change: c.3862G>A on transcript NM_000553.6 (MANE Select); coding-DNA position 3862, G replaced by A.
Protein change: p.Gly1288Ser; replaces glycine 1288 with serine.
Molecular consequence: missense variant.
Genome position (GRCh38, 1-based): chr8:31,157,410, G>A. VCF-style: chr8-31157410-G-A. GRCh37 (hg19) VCF-style: chr8-31014926-G-A.
Other names: short protein forms G1288S.
Identifiers: ClinVar variation 569683 (VCV000569683.6), dbSNP rs765259410, ClinGen allele CA4705194.